The following is an entry in ClinVar:

NM_006158.5(NEFL):c.417C>G (p.Tyr139Ter)

Gene: NEFL (neurofilament light chain; minus strand). Cytogenetic location: 8p21.2.
Variant type: single nucleotide variant.
Coding change: c.417C>G on transcript NM_006158.5 (MANE Select); coding-DNA position 417, C replaced by G.
Protein change: p.Tyr139Ter; replaces tyrosine 139 with a stop codon.
Molecular consequence: nonsense.
Genome position (GRCh38, 1-based): chr8:24,956,099, G>C on the plus strand (C>G on the coding strand, the complement: NEFL is on the minus strand). VCF-style: chr8-24956099-G-C. GRCh37 (hg19) VCF-style: chr8-24813613-G-C.
Other names: short protein forms Y139*.
Identifiers: ClinVar variation 1215368 (VCV001215368.9), dbSNP rs545637885, ClinGen allele CA370622466.

ClinVar aggregate classification (germline): Pathogenic. Review status: criteria provided, multiple submitters, no conflicts (2 of 4 stars). 2 submissions from 2 submitters: Pathogenic (2). Last evaluated 2022-10-09.

Conditions:
Charcot-Marie-Tooth disease type 2E (CMT2E). Also called: CHARCOT-MARIE-TOOTH NEUROPATHY, TYPE 2E; CHARCOT-MARIE-TOOTH DISEASE, AXONAL, TYPE 2E. Identifiers: Orphanet 99939, MedGen C1843225, MONDO:0011894, OMIM 607684.

gnomAD v4.1: 2 of 1,606,426 alleles (0.00012%); highest among the groups gnomAD compares: Non-Finnish European, 0.000085%; no homozygotes.

Submissions (2):

Labcorp Genetics (formerly Invitae), Labcorp
Classification: Pathogenic for Charcot-Marie-Tooth disease type 2E. Last evaluated: 2022-10-09. Review status: criteria provided, single submitter. Criteria: Invitae Variant Classification Sherloc (09022015). Collection method: clinical testing. Allele origin: germline.
Comment: For these reasons, this variant has been classified as Pathogenic. ClinVar contains an entry for this variant (Variation ID: 1215368). This variant has not been reported in the literature in individuals affected with NEFL-related conditions. This variant is present in population databases (no rsID available, gnomAD 0.01%). This sequence change creates a premature translational stop signal (p.Tyr139*) in the NEFL gene. It is expected to result in an absent or disrupted protein product. Loss-of-function variants in NEFL are known to be pathogenic (PMID: 19158810, 20039262).

GeneDx
Classification: Pathogenic. Last evaluated: 2019-08-30. Review status: criteria provided, single submitter. Criteria: GeneDx Variant Classification Process June 2021. Collection method: clinical testing. Allele origin: germline. Affected: yes.
Comment: Nonsense variant predicted to result in protein truncation or nonsense mediated decay in a gene for which loss-of-function is a known mechanism of disease; Has not been previously published as pathogenic or benign to our knowledge

Literature cited by the submitters: PubMed 19158810 (cited by Labcorp Genetics (formerly Invitae), Labcorp); PubMed 20039262 (cited by Labcorp Genetics (formerly Invitae), Labcorp).